The following is an entry in ClinVar:

ClinVar aggregate classification (germline): Conflicting classifications of pathogenicity. Review status: criteria provided, conflicting classifications (1 of 4 stars). 6 submissions from 6 submitters: Uncertain significance (2); Likely benign (3). 1 of the submissions does not count toward it. Last evaluated 2025-09-10.

Conditions:
AARS2-related disorder. Also called: AARS2-related condition; AARS2-related disorders. Identifiers: MedGen CN381518, MONDO:1060240.
Combined oxidative phosphorylation defect type 8. Also called: CARDIOMYOPATHY, HYPERTROPHIC MITOCHONDRIAL, FATAL INFANTILE. Identifiers: Orphanet 319504, MedGen C4518839, MONDO:0013570, OMIM 614096.

Allele frequency attached by ClinVar (database versions not stated): gnomAD exomes 0.00020 and 0.00054; ExAC 0.00062; 1000 Genomes Project 30x 0.00094; 1000 Genomes Project 0.00100; gnomAD 0.00197 and 0.00220; TOPMed 0.00208; ESP Exome Variant Server 0.00238.
gnomAD v4.1: 611 of 1,614,128 alleles (0.038%); highest among the groups gnomAD compares: African/African-American, 0.69%; 1 homozygote.

Submissions (6):

Labcorp Genetics (formerly Invitae), Labcorp
Classification: Likely benign. Last evaluated: 2025-09-10. Review status: criteria provided, single submitter. Criteria: Invitae Variant Classification Sherloc (09022015). Collection method: clinical testing. Allele origin: germline.

Blueprint Genetics
Classification: Likely benign. Last evaluated: 2024-11-11. Review status: criteria provided, single submitter. Criteria: ACMG Guidelines, 2015. Collection method: clinical testing. Allele origin: germline.

Baylor Genetics
Classification: Uncertain significance for Combined oxidative phosphorylation defect type 8. Last evaluated: 2023-05-05. Review status: criteria provided, single submitter. Criteria: ACMG Guidelines, 2015. Collection method: clinical testing. Allele origin: unknown.

GeneDx
Classification: Uncertain significance. Last evaluated: 2021-03-30. Review status: criteria provided, single submitter. Criteria: GeneDx Variant Classification Process June 2021. Collection method: clinical testing. Allele origin: germline. Affected: yes.
Comment: In silico analysis supports that this missense variant has a deleterious effect on protein structure/function; Has not been previously published as pathogenic or benign to our knowledge

Illumina Laboratory Services, Illumina
Classification: Likely benign for Combined oxidative phosphorylation defect type 8. Last evaluated: 2018-01-12. Review status: criteria provided, single submitter. Criteria: ICSL Variant Classification Criteria 13 December 2019. Collection method: clinical testing. Allele origin: germline.
Comment: This variant was observed in the ICSL laboratory as part of a predisposition screen in an ostensibly healthy population. It had not been previously curated by ICSL or reported in the Human Gene Mutation Database (HGMD: prior to June 1st, 2018), and was therefore a candidate for classification through an automated scoring system. Utilizing variant allele frequency, disease prevalence and penetrance estimates, and inheritance mode, an automated score was calculated to assess if this variant is too frequent to cause the disease. Based on the score and internal cut-off values, a variant classified as likely benign is not then subjected to further curation. The score for this variant resulted in a classification of likely benign for this disease.

PreventionGenetics, part of Exact Sciences
Classification: Benign for AARS2-related condition. Last evaluated: 2019-06-25. Review status: no assertion criteria provided. Collection method: clinical testing. Allele origin: germline. Not counted in ClinVar's aggregate classification.
Comment: This variant is classified as benign based on ACMG/AMP sequence variant interpretation guidelines (Richards et al. 2015 PMID: 25741868, with internal and published modifications).

NM_020745.4(AARS2):c.1162C>T (p.Pro388Ser)

Gene: AARS2 (alanyl-tRNA synthetase 2, mitochondrial; minus strand). Cytogenetic location: 6p21.1.
Variant type: single nucleotide variant.
Coding change: c.1162C>T on transcript NM_020745.4 (MANE Select); coding-DNA position 1162, C replaced by T.
Protein change: p.Pro388Ser; replaces proline 388 with serine.
Molecular consequence: missense variant.
Genome position (GRCh38, 1-based): chr6:44,306,520, G>A on the plus strand (C>T on the coding strand, the complement: AARS2 is on the minus strand). VCF-style: chr6-44306520-G-A. GRCh37 (hg19) VCF-style: chr6-44274257-G-A.
Other names: p.P388S:CCA>TCA; short protein forms P388S.
Identifiers: ClinVar variation 213968 (VCV000213968.24), dbSNP rs139372744, ClinGen allele CA324147.